The following is an entry in ClinVar:

NM_007217.4(PDCD10):c.80A>G (p.Tyr27Cys)

Gene: PDCD10 (programmed cell death 10; minus strand). Cytogenetic location: 3q26.1.
Variant type: single nucleotide variant.
Coding change: c.80A>G on transcript NM_007217.4 (MANE Select); coding-DNA position 80, A replaced by G.
Protein change: p.Tyr27Cys; replaces tyrosine 27 with cysteine.
Molecular consequence: missense variant.
Genome position (GRCh38, 1-based): chr3:167,720,078, T>C on the plus strand (A>G on the coding strand, the complement: PDCD10 is on the minus strand). VCF-style: chr3-167720078-T-C. GRCh37 (hg19) VCF-style: chr3-167437866-T-C.
Other names: p.Tyr27Cys; c.80A>G, p.Tyr27Cys (NM_145859.2, NM_145860.2); short protein forms Y27C.
Identifiers: ClinVar variation 3379513 (VCV003379513.2).

ClinVar aggregate classification (germline): Uncertain significance. Review status: criteria provided, multiple submitters, no conflicts (2 of 4 stars). 2 submissions from 2 submitters: Uncertain significance (2). Last evaluated 2025-10-23.

Conditions:
Inborn genetic diseases. Identifiers: MedGen C0950123, MeSH D030342.

gnomAD v4.1: 3 of 1,604,560 alleles (0.00019%); highest among the groups gnomAD compares: Admixed American, 0.005%; no homozygotes.

Submissions (2):

Ambry Genetics
Classification: Uncertain significance for Inborn genetic diseases. Last evaluated: 2025-10-23. Review status: criteria provided, single submitter. Criteria: Ambry Variant Classification Scheme 2023. Collection method: clinical testing. Allele origin: germline.
Comment: The c.80A>G (p.Y27C) alteration is located in exon 2 (coding exon 1) of the PDCD10 gene. This alteration results from a A to G substitution at nucleotide position 80, causing the tyrosine (Y) at amino acid position 27 to be replaced by a cysteine (C). Based on data from gnomAD, the G allele has an overall frequency of 0.001% (2/251184) total alleles studied. The highest observed frequency was 0.006% (2/34526) of Latino alleles. Based on insufficient or conflicting evidence, the clinical significance of this alteration remains unclear.

Mayo Clinic Laboratories, Mayo Clinic
Classification: Uncertain significance. Last evaluated: 2024-05-23. Review status: criteria provided, single submitter. Criteria: ACMG Guidelines, 2015. Collection method: clinical testing. Allele origin: germline. Observed: 2 variant alleles.